The following is an entry in ClinVar:

ClinVar aggregate classification (germline): Uncertain significance (1 of 4 stars; one submission).

Conditions:
Early-infantile DEE. Also called: Ohtahara syndrome; Early infantile epileptic encephalopathy with suppression bursts; Early infantile epileptic encephalopathy. Identifiers: Orphanet 1934, MedGen C0393706, MONDO:0800491.

Submission:

Labcorp Genetics (formerly Invitae), Labcorp
Classification: Uncertain significance for Early-infantile DEE. Last evaluated: 2019-12-04. Review status: criteria provided, single submitter. Criteria: Invitae Variant Classification Sherloc (09022015). Collection method: clinical testing. Allele origin: germline.
Comment: This sequence change replaces proline with histidine at codon 708 of the KCNQ2 protein (p.Pro708His). The proline residue is moderately conserved and there is a moderate physicochemical difference between proline and histidine. In summary, the available evidence is currently insufficient to determine the role of this variant in disease. Therefore, it has been classified as a Variant of Uncertain Significance. Algorithms developed to predict the effect of missense changes on protein structure and function are either unavailable or do not agree on the potential impact of this missense change (SIFT: "Deleterious"; PolyPhen-2: "Possibly Damaging"; Align-GVGD: "Class C0"). This variant has not been reported in the literature in individuals with KCNQ2-related conditions. The frequency data for this variant in the population databases is considered unreliable, as metrics indicate insufficient coverage at this position in the ExAC database.

NM_172107.4(KCNQ2):c.2123C>A (p.Pro708His)

Gene: KCNQ2 (potassium voltage-gated channel subfamily Q member 2; minus strand). Cytogenetic location: 20q13.33.
Variant type: single nucleotide variant.
Coding change: c.2123C>A on transcript NM_172107.4 (MANE Select); coding-DNA position 2123, C replaced by A.
Protein change: p.Pro708His; replaces proline 708 with histidine.
Molecular consequence: missense variant.
Genome position (GRCh38, 1-based): chr20:63,407,140, G>T on the plus strand (C>A on the coding strand, the complement: KCNQ2 is on the minus strand). VCF-style: chr20-63407140-G-T. GRCh37 (hg19) VCF-style: chr20-62038493-G-T.
Other names: c.2039C>A, p.Pro680His (NM_004518.6); c.2069C>A, p.Pro690His (NM_172106.3); c.2030C>A, p.Pro677His (NM_172108.5); short protein forms P677H, P690H, P680H, P708H.
Identifiers: ClinVar variation 848817 (VCV000848817.10), dbSNP rs1360560623, ClinGen allele CA409638945.